The following is an entry in ClinVar:

ClinVar aggregate classification (germline): Pathogenic/Likely pathogenic. Review status: criteria provided, multiple submitters, no conflicts (2 of 4 stars). 2 submissions from 2 submitters: Pathogenic (1); Likely pathogenic (1). Last evaluated 2023-01-17.

Conditions:
CD247-related disorder. Also called: CD247-related condition.
Immunodeficiency 25. Also called: Immunodeficiency due to defect in cd3-zeta, somatic. Identifiers: MedGen C1857798, MONDO:0012426, OMIM 610163.

Allele frequency attached by ClinVar (database versions not stated): gnomAD exomes below 0.00001; TOPMed below 0.00001; gnomAD 0.00001.

Submissions (2):

Blueprint Genetics
Classification: Likely pathogenic for CD247-related disorders. Last evaluated: 2023-01-17. Review status: criteria provided, single submitter. Criteria: ACMG Guidelines, 2015. Collection method: clinical testing. Allele origin: germline. Affected: yes. Observed: 2 variant alleles.

Labcorp Genetics (formerly Invitae), Labcorp
Classification: Pathogenic for Immunodeficiency 25. Last evaluated: 2017-12-17. Review status: criteria provided, single submitter. Criteria: Invitae Variant Classification Sherloc (09022015). Collection method: clinical testing. Allele origin: germline.
Comment: This variant has not been reported in the literature in individuals with CD247-related disease. For these reasons, this variant has been classified as Pathogenic. Loss-of-function variants in CD247 are known to be pathogenic (PMID: 17170122). This variant is not present in population databases (ExAC no frequency). This sequence change creates a premature translational stop signal (p.Ile18Aspfs*56) in the CD247 gene. It is expected to result in an absent or disrupted protein product.

Literature cited by the submitters: PubMed 17170122 (cited by Labcorp Genetics (formerly Invitae), Labcorp).

NM_198053.3(CD247):c.51dup (p.Ile18fs)

Gene: CD247 (CD247 molecule; minus strand). Cytogenetic location: 1q24.2.
Variant type: Duplication.
Coding change: c.51dup on transcript NM_198053.3 (MANE Select); coding-DNA position 51, one base duplicated (G; older notation c.51dupG).
Protein change: p.Ile18fs; shifts the reading frame from isoleucine 18.
Molecular consequence: frameshift variant.
Genome position (GRCh38, 1-based): chr1:167,518,415, C duplicated on the plus strand (G on the coding strand, the reverse complement: CD247 is on the minus strand). VCF-style (leftmost placement, unchanged base first): chr1-167518414-T-TC. GRCh37 (hg19) VCF-style: chr1-167487651-T-TC.
Other names: c.51dup, p.Ile18fs (NM_000734.4, NM_001378515.1, NM_001378516.1); c.51dupG (NM_198053.2); short protein forms I18fs.
Identifiers: ClinVar variation 534695 (VCV000534695.6), dbSNP rs1553238837, ClinGen allele CA658795563.